The following is an entry in ClinVar:

NM_005629.4(SLC6A8):c.283G>A (p.Val95Ile)

Gene: SLC6A8 (solute carrier family 6 member 8; plus strand). Cytogenetic location: Xq28.
Variant type: single nucleotide variant.
Coding change: c.283G>A on transcript NM_005629.4 (MANE Select); coding-DNA position 283, G replaced by A.
Protein change: p.Val95Ile; replaces valine 95 with isoleucine.
Molecular consequence: missense variant. On other transcripts: 5 prime UTR variant (1).
Genome position (GRCh38, 1-based): chrX:153,690,395, G>A. VCF-style: chrX-153690395-G-A. GRCh37 (hg19) VCF-style: chrX-152955850-G-A.
Other names: NM_005629.4(SLC6A8):c.283G>A; p.Val95Ile; c.283G>A, p.Val95Ile (NM_001142805.2); c.-63G>A (NM_001142806.1); short protein forms V95I.
Identifiers: ClinVar variation 449185 (VCV000449185.14), dbSNP rs782040427, ClinGen allele CA10549177.

ClinVar aggregate classification (germline): Uncertain significance. Review status: reviewed by expert panel (3 of 4 stars). 4 submissions from 4 submitters: Uncertain significance (1). 3 of the submissions do not count toward it. Last evaluated 2024-11-08.

Conditions:
Creatine transporter deficiency (CCDS1). Also called: Creatine Transporter (CRTR) Deficiency; SLC6A8-Related Creatine Transporter Deficiency; CREATINE TRANSPORTER DEFECT; CEREBRAL CREATINE DEFICIENCY SYNDROME 1; Mental retardation , X-linked with seizures, short stature and midface hypoplasia; Mental retardation , X-linked, with creatine transport deficiency. Identifiers: Orphanet 52503, MedGen C1845862, MONDO:0010305, OMIM 300352.
Inborn genetic diseases. Identifiers: MedGen C0950123, MeSH D030342.

Allele frequency attached by ClinVar (database versions not stated): gnomAD exomes 0.00002; ExAC 0.00003; TOPMed 0.00003; gnomAD 0.00004.

Submissions (4):

ClinGen Cerebral Creatine Deficiency Syndromes Variant Curation Expert Panel, ClinGen
Classification: Uncertain significance for Creatine transporter deficiency. Last evaluated: 2024-11-08. Review status: reviewed by expert panel. Criteria: ClinGen_CCDS_ACMG_Specifications_SLC6A8_v1.1. Collection method: curation. Allele origin: germline. Inheritance: X-linked inheritance.
Comment: The NM_005629.4:c.283G>A variant in SLC6A8 is a missense variant predicted to cause a substitution of a valine by an isoleucine at amino acid position 95 (p.Val95Ile). This variant has not been reported in the published literature in individuals with creatine transporter deficiency. In gnomAD v2.1.1, the highest population minor allele frequency is 0.00005 (4/78678 alleles, 2 hemizygotes) in the European (Non-Finnish) population, which is greater than the ClinGen CCDS VCEP’s threshold for PM2_Supporting (<0.00002) but less than the ClinGen CCDS VCEP’s threshold for BS1 (>0.0002), such that neither of these criteria are met. The computational predictor REVEL gives a score of 0.644, which is less than the ClinGen CCDS VCEP’s threshold for PP3 (>0.75) but greater than the ClinGen CCDS VCEP’s threshold for BP4 (<0.2), such that neither of these criteria are met. There is a ClinVar entry for this variant (Variation ID: 449185, one-star review status), with conflicting interpretations of pathogenicity (one submitter: uncertain significance; two submitters: likely benign). In summary, this variant meets criteria to be classified as a variant of uncertain significance for creatine transporter deficiency. SLC6A8-specific criteria applied, as specified by the ClinGen CCDS VCEP (Specifications Version 1.1.0): no criteria met. (Classification approved by the ClinGen Cerebral Creatine Deficiency Syndromes Variant Curation Expert Panel on November 8, 2024)

Labcorp Genetics (formerly Invitae), Labcorp
Classification: Likely benign for Creatine transporter deficiency. Last evaluated: 2025-09-15. Review status: criteria provided, single submitter. Criteria: Invitae Variant Classification Sherloc (09022015). Collection method: clinical testing. Allele origin: germline. Not counted in ClinVar's aggregate classification.

Ambry Genetics
Classification: Likely benign for Inborn genetic diseases. Last evaluated: 2018-05-17. Review status: criteria provided, single submitter. Criteria: Ambry Variant Classification Scheme 2023. Collection method: clinical testing. Allele origin: germline. Not counted in ClinVar's aggregate classification.

GeneDx
Classification: Uncertain significance. Last evaluated: 2018-04-03. Review status: criteria provided, single submitter. Criteria: GeneDx Variant Classification (06012015). Collection method: clinical testing. Allele origin: germline. Affected: yes. Not counted in ClinVar's aggregate classification.
Comment: The V95I variant has not been published as a pathogenic variant, nor has it been reported as a benign variant to our knowledge. The V95I variant was not observed in approximately 6,500 individuals of European and African American ancestry in an external variant database, indicating it is not a common benign variant in these populations. The V95I variant is a conservative amino acid substitution, which is not likely to impact secondary protein structure as these residues share similar properties. This substitution occurs at a position where amino acids with similar properties to Valine are tolerated across species. In silico analysis is inconsistent in its predictions as to whether or not the variant is damaging to the protein structure/function. In summary, based on the currently available information, it is unclear whether this variant is a pathogenic variant or a rare benign variant.